The following is an entry in ClinVar:

ClinVar aggregate classification (germline): Conflicting classifications of pathogenicity. Review status: criteria provided, conflicting classifications (1 of 4 stars). 5 submissions from 5 submitters: Uncertain significance (4); Likely benign (1). Last evaluated 2025-11-26.

Conditions:
Cardiovascular phenotype. Identifiers: MedGen CN230736.
Inborn genetic diseases. Identifiers: MedGen C0950123, MeSH D030342.

Allele frequency attached by ClinVar (database versions not stated): ExAC 0.00003; gnomAD exomes 0.00003 and 0.00004; gnomAD 0.00004 and 0.00005; TOPMed 0.00004; ESP Exome Variant Server 0.00008.
gnomAD v4.1: 47 of 1,614,090 alleles (0.0029%); highest among the groups gnomAD compares: African/African-American, 0.0067%; no homozygotes.

Submissions (5):

Ambry Genetics
Classification: Uncertain significance for Inborn genetic diseases. Last evaluated: 2025-11-26. Review status: criteria provided, single submitter. Criteria: Ambry Variant Classification Scheme 2023. Collection method: clinical testing. Allele origin: germline.

Labcorp Genetics (formerly Invitae), Labcorp
Classification: Uncertain significance. Last evaluated: 2025-06-25. Review status: criteria provided, single submitter. Criteria: Invitae Variant Classification Sherloc (09022015). Collection method: clinical testing. Allele origin: germline.
Comment: This sequence change replaces alanine, which is neutral and non-polar, with aspartic acid, which is acidic and polar, at codon 678 of the TNNI3K protein (p.Ala678Asp). This variant is present in population databases (rs147004026, gnomAD 0.008%). This variant has not been reported in the literature in individuals affected with TNNI3K-related conditions. ClinVar contains an entry for this variant (Variation ID: 1448933). An algorithm developed to predict the effect of missense changes on protein structure and function (PolyPhen-2) suggests that this variant is likely to be disruptive. In summary, the available evidence is currently insufficient to determine the role of this variant in disease. Therefore, it has been classified as a Variant of Uncertain Significance.

Molecular Diagnostic Laboratory for Inherited Cardiovascular Disease, Montreal Heart Institute
Classification: Uncertain significance for Cardiovascular phenotype. Last evaluated: 2025-04-09. Review status: criteria provided, single submitter. Criteria: ACMG Guidelines, 2015. Collection method: clinical testing. Allele origin: germline. Affected: yes.

Mayo Clinic Laboratories, Mayo Clinic
Classification: Uncertain significance. Last evaluated: 2024-08-29. Review status: criteria provided, single submitter. Criteria: ACMG Guidelines, 2015. Collection method: clinical testing. Allele origin: germline. Observed: 1 variant allele.

Blueprint Genetics
Classification: Likely benign. Last evaluated: 2023-09-19. Review status: criteria provided, single submitter. Criteria: ACMG Guidelines, 2015. Collection method: clinical testing. Allele origin: germline.

NM_015978.3(TNNI3K):c.2033C>A (p.Ala678Asp)

Genes: FPGT-TNNI3K (FPGT-TNNI3K readthrough; plus strand), TNNI3K (TNNI3 interacting kinase; plus strand). Cytogenetic location: 1p31.1.
Variant type: single nucleotide variant.
Coding change: c.2033C>A on transcript NM_015978.3 (MANE Select); coding-DNA position 2033, C replaced by A.
Protein change: p.Ala678Asp; replaces alanine 678 with aspartic acid.
Molecular consequence: missense variant.
Genome position (GRCh38, 1-based): chr1:74,463,462, C>A. VCF-style: chr1-74463462-C-A. GRCh37 (hg19) VCF-style: chr1-74929146-C-A.
Other names: p.Ala678Asp; c.2336C>A, p.Ala779Asp (NM_001112808.3, NM_001199327.2); c.2033C>A (NM_015978.2); short protein forms A779D, A678D.
Identifiers: ClinVar variation 1448933 (VCV001448933.13), dbSNP rs147004026, ClinGen allele CA909576.